The following is an entry in ClinVar:

NM_000346.4(SOX9):c.16C>T (p.Pro6Ser)

Genes: SOX9 (SRY-box transcription factor 9; plus strand), LOC108021846 (SOX9 promoter region; plus strand). Cytogenetic location: 17q24.3.
Variant type: single nucleotide variant.
Coding change: c.16C>T on transcript NM_000346.4 (MANE Select); coding-DNA position 16, C replaced by T.
Protein change: p.Pro6Ser; replaces proline 6 with serine.
Molecular consequence: missense variant.
Genome position (GRCh38, 1-based): chr17:72,121,407, C>T. VCF-style: chr17-72121407-C-T. GRCh37 (hg19) VCF-style: chr17-70117548-C-T.
Other names: c.16C>T (NM_000346.3); short protein forms P6S.
Identifiers: ClinVar variation 2183871 (VCV002183871.6), dbSNP rs866679165, ClinGen allele CA293780901.

ClinVar aggregate classification (germline): Conflicting classifications of pathogenicity. Review status: criteria provided, conflicting classifications (1 of 4 stars). 3 submissions from 3 submitters: Uncertain significance (2); Likely benign (1). Last evaluated 2025-07-09.

Conditions:
Inborn genetic diseases. Identifiers: MedGen C0950123, MeSH D030342.
Camptomelic dysplasia (CMPD). Also called: CMPD1/SRA1; Campomelic Dysplasia. Identifiers: Orphanet 140, MedGen C1861922, MONDO:0007251, OMIM 114290.

Allele frequency attached by ClinVar (database versions not stated): gnomAD 0.00010; TOPMed 0.00033.
gnomAD v4.1: 30 of 1,612,586 alleles (0.0019%); highest among the groups gnomAD compares: Admixed American, 0.033%; no homozygotes.

Submissions (3):

Labcorp Genetics (formerly Invitae), Labcorp
Classification: Likely benign for Camptomelic dysplasia. Last evaluated: 2025-07-09. Review status: criteria provided, single submitter. Criteria: Invitae Variant Classification Sherloc (09022015). Collection method: clinical testing. Allele origin: germline.

GeneDx
Classification: Uncertain significance. Last evaluated: 2023-10-22. Review status: criteria provided, single submitter. Criteria: GeneDx Variant Classification Process June 2021. Collection method: clinical testing. Allele origin: germline. Affected: yes.
Comment: In silico analysis supports that this missense variant does not alter protein structure/function; Has not been previously published as pathogenic or benign to our knowledge

Ambry Genetics
Classification: Uncertain significance for Inborn genetic diseases. Last evaluated: 2022-07-07. Review status: criteria provided, single submitter. Criteria: Ambry Variant Classification Scheme 2023. Collection method: clinical testing. Allele origin: germline.